The following is an entry in ClinVar:

ClinVar aggregate classification (germline): Uncertain significance (1 of 4 stars; one submission).

Allele frequency attached by ClinVar (database versions not stated): TOPMed 0.00001; ExAC 0.00002; gnomAD 0.00002; ESP Exome Variant Server 0.00008; gnomAD exomes 0.00008.
gnomAD v4.1: 111 of 1,613,994 alleles (0.0069%); highest among the groups gnomAD compares: Non-Finnish European, 0.0092%; no homozygotes.

Submission:

Women's Health and Genetics/Laboratory Corporation of America, LabCorp
Classification: Uncertain significance. Last evaluated: 2023-01-04. Review status: criteria provided, single submitter. Criteria: LabCorp Variant Classification Summary - May 2015. Collection method: clinical testing. Allele origin: germline.
Comment: Variant summary: TRMT1 c.1107-13C>T alters a non-conserved nucleotide located close to a canonical splice site and therefore could affect mRNA splicing, leading to a significantly altered protein sequence. 4/4 computational tools predict no significant impact on normal splicing. However, these predictions have yet to be confirmed by functional studies. The variant allele was found at a frequency of 1.2e-05 in 251276 control chromosomes. The available data on variant occurrences in the general population are insufficient to allow any conclusion about variant significance. To our knowledge, no occurrence of c.1107-13C>T in individuals affected with Intellectual Developmental Disorder, Autosomal Recessive 68 and no experimental evidence demonstrating its impact on protein function have been reported. No clinical diagnostic laboratories have submitted clinical-significance assessments for this variant to ClinVar after 2014. Based on the evidence outlined above, the variant was classified as uncertain significance.

NM_001136035.4(TRMT1):c.1107-13C>T

Gene: TRMT1 (tRNA methyltransferase 1; minus strand). Cytogenetic location: 19p13.13.
Variant type: single nucleotide variant.
Coding change: c.1107-13C>T on transcript NM_001136035.4 (MANE Select); 13 bases into the intron before coding-DNA position 1107, C replaced by T.
Molecular consequence: intron variant.
Genome position (GRCh38, 1-based): chr19:13,109,851, G>A on the plus strand (C>T on the coding strand, the complement: TRMT1 is on the minus strand). VCF-style: chr19-13109851-G-A. GRCh37 (hg19) VCF-style: chr19-13220665-G-A.
Other names: c.999-13C>T (NM_001351761.2); c.1020-13C>T (NM_001351760.2, NM_001142554.3); c.324-13C>T (NM_001351762.2); c.1107-13C>T (NM_017722.5).
Identifiers: ClinVar variation 2429263 (VCV002429263.3), dbSNP rs373453193, ClinGen allele CA9237760.